The following is an entry in ClinVar:

ClinVar aggregate classification (germline): Uncertain significance (1 of 4 stars; one submission).

Conditions:
Cardiovascular phenotype. Identifiers: MedGen CN230736.

Submission:

Ambry Genetics
Classification: Uncertain significance for Cardiovascular phenotype. Last evaluated: 2024-11-05. Review status: criteria provided, single submitter. Criteria: Ambry Variant Classification Scheme 2023. Collection method: clinical testing. Allele origin: germline.
Comment: The p.L310V variant (also known as c.928T>G), located in coding exon 1 of the DOLK gene, results from a T to G substitution at nucleotide position 928. The leucine at codon 310 is replaced by valine, an amino acid with highly similar properties. This amino acid position is conserved. In addition, this alteration is predicted to be tolerated by in silico analysis. Based on the available evidence, the clinical significance of this variant remains unclear.

NM_014908.4(DOLK):c.928T>G (p.Leu310Val)

Gene: DOLK (dolichol kinase; minus strand). Cytogenetic location: 9q34.11.
Variant type: single nucleotide variant.
Coding change: c.928T>G on transcript NM_014908.4 (MANE Select); coding-DNA position 928, T replaced by G.
Protein change: p.Leu310Val; replaces leucine 310 with valine.
Molecular consequence: missense variant.
Genome position (GRCh38, 1-based): chr9:128,946,376, A>C on the plus strand (T>G on the coding strand, the complement: DOLK is on the minus strand). VCF-style: chr9-128946376-A-C. GRCh37 (hg19) VCF-style: chr9-131708655-A-C.
Other names: short protein forms L310V.
Identifiers: ClinVar variation 3504707 (VCV003504707.1).
Genomic context (GRCh38, chr9:128,946,376, plus strand): 5'-GCTTCTTGGACTCGGAAGATGACCGCTTGGCATTCTGGTACAGCACCACCAGGCAGGCCA[A>C]GGTGGCCAGCAGAGACCAATAGGCTAGGAGGTAGATGCGGGTGTCTGTCTGGAAGAGAAA-3'
Protein context (NP_055723.1, residues 300-320): LLAYWSLLAT[Leu310Val]ACLVVLYQNA